The following is an entry in ClinVar:

NM_002472.3(MYH8):c.1701G>A (p.Gln567=)

Genes: MYHAS (myosin heavy chain gene cluster antisense RNA; plus strand), MYH8 (myosin heavy chain 8; minus strand). Cytogenetic location: 17p13.1.
Variant type: single nucleotide variant.
Coding change: c.1701G>A on transcript NM_002472.3 (MANE Select); coding-DNA position 1701, G replaced by A.
Protein change: p.Gln567=; no amino-acid change (glutamine 567 retained).
Molecular consequence: synonymous variant.
Genome position (GRCh38, 1-based): chr17:10,409,475, C>T on the plus strand (G>A on the coding strand, the complement: MYH8 is on the minus strand). VCF-style: chr17-10409475-C-T. GRCh37 (hg19) VCF-style: chr17-10312792-C-T.
Identifiers: ClinVar variation 129670 (VCV000129670.16), dbSNP rs73275411, ClinGen allele CA153814.

ClinVar aggregate classification (germline): Benign. Review status: criteria provided, multiple submitters, no conflicts (2 of 4 stars). 5 submissions from 5 submitters: Benign (4). 1 of the submissions does not count toward it. Last evaluated 2020-10-23.

Conditions:
Hecht syndrome (DA7). Also called: MOUTH, INABILITY TO OPEN COMPLETELY, AND SHORT FINGER-FLEXOR TENDONS; Dutch-Kentucky syndrome. Identifiers: Orphanet 3377, MedGen C0265226, MONDO:0008016, OMIM 158300. Disease mechanism: gain of function.

Allele frequency attached by ClinVar (database versions not stated): gnomAD exomes 0.00185 and 0.00473; ExAC 0.00591; 1000 Genomes Project 0.01757; gnomAD 0.01912 and 0.02065; 1000 Genomes Project 30x 0.02061; TOPMed 0.02215; ESP Exome Variant Server 0.02222.

Submissions (5):

GeneDx
Classification: Benign. Last evaluated: 2020-10-23. Review status: criteria provided, single submitter. Criteria: GeneDx Variant Classification Process June 2021. Collection method: clinical testing. Allele origin: germline. Affected: yes.

Labcorp Genetics (formerly Invitae), Labcorp
Classification: Benign. Last evaluated: 2019-12-31. Review status: criteria provided, single submitter. Criteria: Invitae Variant Classification Sherloc (09022015). Collection method: clinical testing. Allele origin: germline.

Illumina Laboratory Services, Illumina
Classification: Benign for Hecht syndrome. Last evaluated: 2018-01-12. Review status: criteria provided, single submitter. Criteria: ICSL Variant Classification Criteria 13 December 2019. Collection method: clinical testing. Allele origin: germline.
Comment: This variant was observed in the ICSL laboratory as part of a predisposition screen in an ostensibly healthy population. It had not been previously curated by ICSL or reported in the Human Gene Mutation Database (HGMD: prior to June 1st, 2018), and was therefore a candidate for classification through an automated scoring system. Utilizing variant allele frequency, disease prevalence and penetrance estimates, and inheritance mode, an automated score was calculated to assess if this variant is too frequent to cause the disease. Based on the score and internal cut-off values, a variant classified as benign is not then subjected to further curation. The score for this variant resulted in a classification of benign for this disease.

Breakthrough Genomics
Classification: Benign. Review status: criteria provided, single submitter. Criteria: ACMG Guidelines, 2015. Collection method: not provided. Allele origin: germline. Inheritance: Autosomal dominant inheritance. Affected: yes.

Genetic Services Laboratory, University of Chicago
Classification: Likely benign for AllHighlyPenetrant. Review status: no assertion criteria provided. Collection method: clinical testing. Allele origin: germline. Inheritance: Autosomal dominant inheritance. Not counted in ClinVar's aggregate classification.
Comment: Likely benign based on allele frequency in 1000 Genomes Project or ESP global frequency and its presence in a patient with a rare or unrelated disease phenotype. NOT Sanger confirmed.